The following is an entry in ClinVar:

ClinVar aggregate classification (germline): Likely pathogenic (1 of 4 stars; one submission).

gnomAD v4.1: 1 of 1,614,096 alleles (0.000062%); no homozygotes.

Submission:

Labcorp Genetics (formerly Invitae), Labcorp
Classification: Likely pathogenic. Last evaluated: 2023-07-07. Review status: criteria provided, single submitter. Criteria: Invitae Variant Classification Sherloc (09022015). Collection method: clinical testing. Allele origin: germline.
Comment: In summary, the currently available evidence indicates that the variant is pathogenic, but additional data are needed to prove that conclusively. Therefore, this variant has been classified as Likely Pathogenic. Algorithms developed to predict the effect of sequence changes on RNA splicing suggest that this variant may disrupt the consensus splice site. This variant has not been reported in the literature in individuals affected with COL27A1-related conditions. This variant is present in population databases (no rsID available, gnomAD 0.004%). This sequence change affects a donor splice site in intron 16 of the COL27A1 gene. It is expected to disrupt RNA splicing. Variants that disrupt the donor or acceptor splice site typically lead to a loss of protein function (PMID: 16199547), and loss-of-function variants in COL27A1 are known to be pathogenic (PMID: 24986830, 28276056).

Literature cited by the submitters: PubMed 16199547; PubMed 24986830; PubMed 28276056.

NM_032888.4(COL27A1):c.2565+1G>A

Gene: COL27A1 (collagen type XXVII alpha 1 chain; plus strand). Cytogenetic location: 9q32.
Variant type: single nucleotide variant.
Coding change: c.2565+1G>A on transcript NM_032888.4 (MANE Select); the canonical splice donor site of the intron after coding-DNA position 2565, G replaced by A.
Molecular consequence: splice donor variant.
Genome position (GRCh38, 1-based): chr9:114,231,867, G>A. VCF-style: chr9-114231867-G-A. GRCh37 (hg19) VCF-style: chr9-116994147-G-A.
Identifiers: ClinVar variation 2736736 (VCV002736736.3), dbSNP rs1352914856, ClinGen allele CA374588040.
Genomic context (GRCh38, chr9:114,231,867, plus strand): 5'-GGCTTTGTCTTGCAGGGACTGATGGGCAGCGTGGGGGAGCCCGGACTGAAAGGTGATAAG[G>A]TGATCTGAATACTCCCTTATTGCACTGTGGTTTCTCTGCATGCCACCCCCCTCTCCGCCC-3'